The following is an entry in ClinVar:

NM_005632.3(CAPN15):c.1283G>A (p.Arg428Gln)

Gene: CAPN15 (calpain 15; plus strand). Cytogenetic location: 16p13.3.
Variant type: single nucleotide variant.
Coding change: c.1283G>A on transcript NM_005632.3 (MANE Select); coding-DNA position 1283, G replaced by A.
Protein change: p.Arg428Gln; replaces arginine 428 with glutamine.
Molecular consequence: missense variant.
Genome position (GRCh38, 1-based): chr16:548,121, G>A. VCF-style: chr16-548121-G-A. GRCh37 (hg19) VCF-style: chr16-598121-G-A.
Other names: NC_000016.9:g.598121G>A; short protein forms R428Q.
Identifiers: ClinVar variation 3039007 (VCV003039007.3), dbSNP rs202055221, ClinGen allele CA7778300.

ClinVar aggregate classification (germline): Likely benign (0 of 4 stars; one submission).

Conditions:
CAPN15-related disorder. Also called: CAPN15-related condition.

Allele frequency attached by ClinVar (database versions not stated): TOPMed 0.00110; gnomAD 0.00100; 1000 Genomes Project 30x 0.00078.
gnomAD v4.1: 318 of 1,535,662 alleles (0.021%); highest among the groups gnomAD compares: African/African-American, 0.39%; no homozygotes.

Submissions (2):

PreventionGenetics, part of Exact Sciences
Classification: Likely benign for CAPN15-related condition. Last evaluated: 2022-12-13. Review status: no assertion criteria provided. Collection method: clinical testing. Allele origin: germline.
Comment: This variant is classified as likely benign based on ACMG/AMP sequence variant interpretation guidelines (Richards et al. 2015 PMID: 25741868, with internal and published modifications).

Dr. Peter K. Rogan Lab, Western University
No classification provided (evidence only). Condition: Malignant tumor of urinary bladder. Review status: no classification provided. Collection method: in vitro. Allele origin: not applicable. Functional consequence: retained intron. Not counted in ClinVar's aggregate classification.